The following is an entry in ClinVar:

NM_005120.3(MED12):c.3605C>G (p.Ser1202Cys)

Gene: MED12 (mediator complex subunit 12; plus strand). Cytogenetic location: Xq13.1.
Variant type: single nucleotide variant.
Coding change: c.3605C>G on transcript NM_005120.3 (MANE Select); coding-DNA position 3605, C replaced by G.
Protein change: p.Ser1202Cys; replaces serine 1202 with cysteine.
Molecular consequence: missense variant.
Genome position (GRCh38, 1-based): chrX:71,129,343, C>G. VCF-style: chrX-71129343-C-G. GRCh37 (hg19) VCF-style: chrX-70349193-C-G.
Other names: short protein forms S1202C.
Identifiers: ClinVar variation 2048939 (VCV002048939.4), dbSNP rs2092310992, ClinGen allele CA413520153.

ClinVar aggregate classification (germline): Uncertain significance (1 of 4 stars; one submission).

Conditions:
FG syndrome (FGS). Identifiers: MedGen C0220769, MONDO:0002010.

Allele frequency attached by ClinVar (database versions not stated): gnomAD 0.00001.

Submission:

Labcorp Genetics (formerly Invitae), Labcorp
Classification: Uncertain significance for FG syndrome. Last evaluated: 2025-10-20. Review status: criteria provided, single submitter. Criteria: Invitae Variant Classification Sherloc (09022015). Collection method: clinical testing. Allele origin: germline.
Comment: This sequence change replaces serine, which is neutral and polar, with cysteine, which is neutral and slightly polar, at codon 1202 of the MED12 protein (p.Ser1202Cys). This variant is not present in population databases (gnomAD no frequency). This variant has not been reported in the literature in individuals affected with MED12-related conditions. ClinVar contains an entry for this variant (Variation ID: 2048939). Invitae Evidence Modeling of protein sequence and biophysical properties (such as structural, functional, and spatial information, amino acid conservation, physicochemical variation, residue mobility, and thermodynamic stability) has been performed for this missense variant. However, the output from this modeling did not meet the statistical confidence thresholds required to predict the impact of this variant on MED12 protein function. In summary, the available evidence is currently insufficient to determine the role of this variant in disease. Therefore, it has been classified as a Variant of Uncertain Significance.